The following is an entry in ClinVar:

ClinVar aggregate classification (germline): Likely benign (1 of 4 stars; one submission).

Allele frequency attached by ClinVar (database versions not stated): gnomAD exomes below 0.00001; TOPMed below 0.00001; gnomAD 0.00001.
gnomAD v4.1: 3 of 1,613,548 alleles (0.00019%); highest among the groups gnomAD compares: Non-Finnish European, 0.00025%; no homozygotes.

Submission:

CeGaT Center for Human Genetics Tuebingen
Classification: Likely benign. Last evaluated: 2024-06-01. Review status: criteria provided, single submitter. Criteria: CeGaT Center For Human Genetics Tuebingen Variant Classification Criteria Version 2. Collection method: clinical testing. Allele origin: germline. Affected: yes. Observed: 1 variant allele.
Comment: GBA1: BP4, BP7

NM_000157.4(GBA1):c.27G>A (p.Glu9=)

Gene: GBA1 (glucosylceramidase beta 1; minus strand). Cytogenetic location: 1q22.
Variant type: single nucleotide variant.
Coding change: c.27G>A on transcript NM_000157.4 (MANE Select); coding-DNA position 27, G replaced by A.
Protein change: p.Glu9=; no amino-acid change (glutamic acid 9 retained).
Molecular consequence: synonymous variant. On other transcripts: intron variant (1).
Genome position (GRCh38, 1-based): chr1:155,241,086, C>T on the plus strand (G>A on the coding strand, the complement: GBA1 is on the minus strand). VCF-style: chr1-155241086-C-T. GRCh37 (hg19) VCF-style: chr1-155210877-C-T.
Other names: c.27G>A, p.Glu9= (NM_001005741.3, NM_001005742.3, NM_001171812.2); c.-146-1009G>A (NM_001171811.2).
Identifiers: ClinVar variation 3251125 (VCV003251125.18), dbSNP rs1268905803.
Genomic context (GRCh38, chr1:155,241,086, plus strand): 5'-TTCCAGTGCCAGGATTCCAGAAGCACTGTGACAATGCTGATTGGGAGCTCTCTCTCTTAC[C>T]TCTCTGGAAGGACTTGAAAACTCCATCCCCTCAGGGTCATTAGATGAAGAGAAGACCACA-3'
Protein context (NP_000148.2, residues 1-19): MEFSSPSR[Glu9=]ECPKPLSRVS